The following is an entry in ClinVar:

ClinVar aggregate classification (germline): Uncertain significance (1 of 4 stars; one submission).

Allele frequency attached by ClinVar (database versions not stated): gnomAD exomes 0.00001.

Submission:

Labcorp Genetics (formerly Invitae), Labcorp
Classification: Uncertain significance. Last evaluated: 2022-07-17. Review status: criteria provided, single submitter. Criteria: Invitae Variant Classification Sherloc (09022015). Collection method: clinical testing. Allele origin: germline.
Comment: In summary, the available evidence is currently insufficient to determine the role of this variant in disease. Therefore, it has been classified as a Variant of Uncertain Significance. Advanced modeling of protein sequence and biophysical properties (such as structural, functional, and spatial information, amino acid conservation, physicochemical variation, residue mobility, and thermodynamic stability) performed at Invitae indicates that this missense variant is not expected to disrupt DCHS1 protein function. This variant has not been reported in the literature in individuals affected with DCHS1-related conditions. This variant is not present in population databases (gnomAD no frequency). This sequence change replaces glutamine, which is neutral and polar, with lysine, which is basic and polar, at codon 1714 of the DCHS1 protein (p.Gln1714Lys).

NM_003737.4(DCHS1):c.5140C>A (p.Gln1714Lys)

Gene: DCHS1 (dachsous cadherin-related 1; minus strand). Cytogenetic location: 11p15.4.
Variant type: single nucleotide variant.
Coding change: c.5140C>A on transcript NM_003737.4 (MANE Select); coding-DNA position 5140, C replaced by A.
Protein change: p.Gln1714Lys; replaces glutamine 1714 with lysine.
Molecular consequence: missense variant.
Genome position (GRCh38, 1-based): chr11:6,629,473, G>T on the plus strand (C>A on the coding strand, the complement: DCHS1 is on the minus strand). VCF-style: chr11-6629473-G-T. GRCh37 (hg19) VCF-style: chr11-6650704-G-T.
Other names: short protein forms Q1714K.
Identifiers: ClinVar variation 2004292 (VCV002004292.4), dbSNP rs1349070182, ClinGen allele CA379397032.